The following is an entry in ClinVar:

NM_005915.6(MCM6):c.2209+10_2209+11del

Gene: MCM6 (minichromosome maintenance complex component 6; minus strand). Cytogenetic location: 2q21.3.
Variant type: Deletion.
Coding change: c.2209+10_2209+11del on transcript NM_005915.6 (MANE Select); bases 10 to 11 of the intron after coding-DNA position 2209, 2 bases deleted (AC; older notation c.2209+10_2209+11delAC).
Molecular consequence: intron variant.
Genome position (GRCh38, 1-based): chr2:135,846,226-135,846,227, GT deleted on the plus strand (AC on the coding strand, the reverse complement: MCM6 is on the minus strand). VCF-style (leftmost placement, unchanged base first): chr2-135846225-GGT-G. GRCh37 (hg19) VCF-style: chr2-136603795-GGT-G.
Identifiers: ClinVar variation 3058466 (VCV003058466.2), dbSNP rs1558754166, ClinGen allele CA916657760.

ClinVar aggregate classification (germline): Likely benign (0 of 4 stars; one submission).

Conditions:
MCM6-related disorder. Also called: MCM6-related condition.

Allele frequency attached by ClinVar (database versions not stated): gnomAD exomes below 0.00001; gnomAD 0.00003.

Submission:

PreventionGenetics, part of Exact Sciences
Classification: Likely benign for MCM6-related condition. Last evaluated: 2019-03-14. Review status: no assertion criteria provided. Collection method: clinical testing. Allele origin: germline.
Comment: This variant is classified as likely benign based on ACMG/AMP sequence variant interpretation guidelines (Richards et al. 2015 PMID: 25741868, with internal and published modifications).